The following is an entry in ClinVar:

NM_001267550.2(TTN):c.61815A>G (p.Ile20605Met)

Genes: TTN (titin; minus strand), TTN-AS1 (TTN antisense RNA 1; plus strand). Cytogenetic location: 2q31.2.
Variant type: single nucleotide variant.
Coding change: c.61815A>G on transcript NM_001267550.2 (MANE Select); coding-DNA position 61815, A replaced by G.
Protein change: p.Ile20605Met; replaces isoleucine 20605 with methionine.
Molecular consequence: missense variant.
Genome position (GRCh38, 1-based): chr2:178,589,910, T>C on the plus strand (A>G on the coding strand, the complement: TTN is on the minus strand). VCF-style: chr2-178589910-T-C. GRCh37 (hg19) VCF-style: chr2-179454637-T-C.
Other names: c.56892A>G, p.Ile18964Met (NM_001256850.1); c.34620A>G, p.Ile11540Met (NM_003319.4); c.54111A>G, p.Ile18037Met (NM_133378.4); c.34995A>G, p.Ile11665Met (NM_133432.3); c.35196A>G, p.Ile11732Met (NM_133437.4); short protein forms I20605M, I11732M, I18037M, I11665M, I11540M, I18964M.
Identifiers: ClinVar variation 467341 (VCV000467341.8), dbSNP rs761374262, ClinGen allele CA1992304.
Genomic context (GRCh38, chr2:178,589,910, plus strand): 5'-TTTAGTGACATCTGATGCAACAATTGACCAGCCTTTCTGGTTTGGTTTGCGATATTCTAC[T>C]ATGAAGTTTGTTATTTCTGAGCCACCATTATCTAGTGGGTTTTCCCAAGAAATTGTACAG-3'
Protein context (NP_001254479.2, residues 20595-20615): DNGGSEITNF[Ile20605Met]VEYRKPNQKG

ClinVar aggregate classification (germline): Conflicting classifications of pathogenicity. Review status: criteria provided, conflicting classifications (1 of 4 stars). 5 submissions from 5 submitters: Uncertain significance (3); Likely benign (2). Last evaluated 2025-04-09.

Conditions:
Autosomal recessive limb-girdle muscular dystrophy type 2J (LGMDR10). Also called: MUSCULAR DYSTROPHY, LIMB-GIRDLE, AUTOSOMAL RECESSIVE 10; Limb-girdle muscular dystrophy, type 2J. Identifiers: Orphanet 140922, MedGen C1837342, MONDO:0012127, OMIM 608807.
Dilated cardiomyopathy 1G (CMD1G). Identifiers: Orphanet 154, MedGen C1858763, MONDO:0011400, OMIM 604145.
Cardiovascular phenotype. Identifiers: MedGen CN230736.

Allele frequency attached by ClinVar (database versions not stated): ExAC 0.00002; gnomAD 0.00002; gnomAD exomes 0.00002 and 0.00003; TOPMed 0.00005.
gnomAD v4.1: 43 of 1,613,264 alleles (0.0027%); highest among the groups gnomAD compares: Non-Finnish European, 0.0036%; no homozygotes.

Submissions (5):

Molecular Diagnostic Laboratory for Inherited Cardiovascular Disease, Montreal Heart Institute
Classification: Likely benign. Last evaluated: 2025-04-09. Review status: criteria provided, single submitter. Criteria: ACMG Guidelines, 2015. Collection method: clinical testing. Allele origin: germline. Affected: no.

Blueprint Genetics
Classification: Likely benign. Last evaluated: 2024-09-30. Review status: criteria provided, single submitter. Criteria: ACMG Guidelines, 2015. Collection method: clinical testing. Allele origin: germline.

Revvity Omics, Revvity
Classification: Uncertain significance. Last evaluated: 2024-05-02. Review status: criteria provided, single submitter. Criteria: ACMG Guidelines, 2015. Collection method: clinical testing. Allele origin: germline.

Ambry Genetics
Classification: Uncertain significance for Cardiovascular phenotype. Last evaluated: 2020-02-26. Review status: criteria provided, single submitter. Criteria: Ambry Variant Classification Scheme 2023. Collection method: clinical testing. Allele origin: germline.
Comment: The p.I11540M variant (also known as c.34620A>G), located in coding exon 131 of the TTN gene, results from an A to G substitution at nucleotide position 34620. The isoleucine at codon 11540 is replaced by methionine, an amino acid with highly similar properties. This amino acid position is highly conserved in available vertebrate species. In addition, this alteration is predicted to be tolerated by in silico analysis. Since supporting evidence is limited at this time, the clinical significance of this alteration remains unclear.

Labcorp Genetics (formerly Invitae), Labcorp
Classification: Uncertain significance for Dilated cardiomyopathy 1G; Autosomal recessive limb-girdle muscular dystrophy type 2J. Last evaluated: 2017-04-24. Review status: criteria provided, single submitter. Criteria: Invitae Variant Classification Sherloc (09022015). Collection method: clinical testing. Allele origin: germline.